The following is an entry in ClinVar:

NM_030777.4(SLC2A10):c.1375A>G (p.Asn459Asp)

Gene: SLC2A10 (solute carrier family 2 member 10; plus strand). Cytogenetic location: 20q13.12.
Variant type: single nucleotide variant.
Coding change: c.1375A>G on transcript NM_030777.4 (MANE Select); coding-DNA position 1375, A replaced by G.
Protein change: p.Asn459Asp; replaces asparagine 459 with aspartic acid.
Molecular consequence: missense variant.
Genome position (GRCh38, 1-based): chr20:46,726,950, A>G. VCF-style: chr20-46726950-A-G. GRCh37 (hg19) VCF-style: chr20-45355589-A-G.
Other names: short protein forms N459D.
Identifiers: ClinVar variation 1354587 (VCV001354587.9), dbSNP rs781676521, ClinGen allele CA9892174.

ClinVar aggregate classification (germline): Uncertain significance. Review status: criteria provided, multiple submitters, no conflicts (2 of 4 stars). 2 submissions from 2 submitters: Uncertain significance (2). Last evaluated 2023-05-16.

Conditions:
Arterial tortuosity syndrome (ATORS). Identifiers: Orphanet 3342, MedGen C1859726, MONDO:0008818, OMIM 208050.

Allele frequency attached by ClinVar (database versions not stated): gnomAD exomes below 0.00001; TOPMed below 0.00001; ExAC 0.00001.
gnomAD v4.1: 1 of 1,614,222 alleles (0.000062%); no homozygotes.

Submissions (2):

Revvity Omics, Revvity
Classification: Uncertain significance for Arterial tortuosity syndrome. Last evaluated: 2023-05-16. Review status: criteria provided, single submitter. Criteria: ACMG Guidelines, 2015. Collection method: clinical testing. Allele origin: germline.

Labcorp Genetics (formerly Invitae), Labcorp
Classification: Uncertain significance for Arterial tortuosity syndrome. Last evaluated: 2021-05-02. Review status: criteria provided, single submitter. Criteria: Invitae Variant Classification Sherloc (09022015). Collection method: clinical testing. Allele origin: germline.
Comment: This sequence change replaces asparagine with aspartic acid at codon 459 of the SLC2A10 protein (p.Asn459Asp). The asparagine residue is highly conserved and there is a small physicochemical difference between asparagine and aspartic acid. This variant is present in population databases (rs781676521, ExAC 0.001%). This variant has not been reported in the literature in individuals with SLC2A10-related conditions. Advanced modeling of protein sequence and biophysical properties (such as structural, functional, and spatial information, amino acid conservation, physicochemical variation, residue mobility, and thermodynamic stability) performed at Invitae indicates that this missense variant is expected to disrupt SLC2A10 protein function. In summary, the available evidence is currently insufficient to determine the role of this variant in disease. Therefore, it has been classified as a Variant of Uncertain Significance.